The following is an entry in ClinVar:

ClinVar aggregate classification (germline): Uncertain significance. Review status: criteria provided, multiple submitters, no conflicts (2 of 4 stars). 3 submissions from 3 submitters: Uncertain significance (3). Last evaluated 2026-01-28.

Conditions:
Inborn genetic diseases. Identifiers: MedGen C0950123, MeSH D030342.
Atrioventricular septal defect 5 (AVSD5). Identifiers: MedGen C3280939, MONDO:0013769, OMIM 614474.

Allele frequency attached by ClinVar (database versions not stated): TOPMed below 0.00001; gnomAD exomes 0.00001.

Submissions (3):

Labcorp Genetics (formerly Invitae), Labcorp
Classification: Uncertain significance for Atrioventricular septal defect 5. Last evaluated: 2026-01-28. Review status: criteria provided, single submitter. Criteria: Invitae Variant Classification Sherloc (09022015). Collection method: clinical testing. Allele origin: germline.
Comment: This sequence change replaces serine, which is neutral and polar, with threonine, which is neutral and polar, at codon 268 of the GATA6 protein (p.Ser268Thr). This variant is not present in population databases (gnomAD no frequency). This variant has not been reported in the literature in individuals affected with GATA6-related conditions. ClinVar contains an entry for this variant (Variation ID: 1356576). Invitae Evidence Modeling of protein sequence and biophysical properties (such as structural, functional, and spatial information, amino acid conservation, physicochemical variation, residue mobility, and thermodynamic stability) indicates that this missense variant is not expected to disrupt GATA6 protein function with a negative predictive value of 80%. In summary, the available evidence is currently insufficient to determine the role of this variant in disease. Therefore, it has been classified as a Variant of Uncertain Significance.

Ambry Genetics
Classification: Uncertain significance for Inborn genetic diseases. Last evaluated: 2025-08-26. Review status: criteria provided, single submitter. Criteria: Ambry Variant Classification Scheme 2023. Collection method: clinical testing. Allele origin: germline.

GeneDx
Classification: Uncertain significance. Last evaluated: 2025-02-18. Review status: criteria provided, single submitter. Criteria: GeneDx Variant Classification Process June 2021. Collection method: clinical testing. Allele origin: germline. Affected: yes.
Comment: Not observed at significant frequency in large population cohorts (gnomAD); In silico analysis indicates that this missense variant does not alter protein structure/function; Has not been previously published as pathogenic or benign to our knowledge

NM_005257.6(GATA6):c.803G>C (p.Ser268Thr)

Gene: GATA6 (GATA binding protein 6; plus strand). Cytogenetic location: 18q11.2.
Variant type: single nucleotide variant.
Coding change: c.803G>C on transcript NM_005257.6 (MANE Select); coding-DNA position 803, G replaced by C.
Protein change: p.Ser268Thr; replaces serine 268 with threonine.
Molecular consequence: missense variant.
Genome position (GRCh38, 1-based): chr18:22,171,947, G>C. VCF-style: chr18-22171947-G-C. GRCh37 (hg19) VCF-style: chr18-19751908-G-C.
Other names: c.803G>C (NM_005257.4, NM_005257.3); short protein forms S268T.
Identifiers: ClinVar variation 1356576 (VCV001356576.8), dbSNP rs2033057141, ClinGen allele CA401800886.
Genomic context (GRCh38, chr18:22,171,947, plus strand): 5'-GGCCTGGCGGCGCTGGCTCAGCCGCGGCGCACGTCTCGGCGCGCTTCCCCTACTCTCCCA[G>C]CCCGCCCATGGCCAACGGCGCCGCGCGGGAGCCGGGAGGCTACGCGGCGGCGGGCAGTGG-3'
Protein context (NP_005248.2, residues 258-278): HVSARFPYSP[Ser268Thr]PPMANGAARE